The following is an entry in ClinVar:

ClinVar aggregate classification (germline): Uncertain significance (1 of 4 stars; one submission).

Submission:

Labcorp Genetics (formerly Invitae), Labcorp
Classification: Uncertain significance. Last evaluated: 2022-09-13. Review status: criteria provided, single submitter. Criteria: Invitae Variant Classification Sherloc (09022015). Collection method: clinical testing. Allele origin: germline.
Comment: This sequence change replaces alanine, which is neutral and non-polar, with valine, which is neutral and non-polar, at codon 128 of the C8B protein (p.Ala128Val). This variant is not present in population databases (gnomAD no frequency). This variant has not been reported in the literature in individuals affected with C8B-related conditions. ClinVar contains an entry for this variant (Variation ID: 1385648). Algorithms developed to predict the effect of missense changes on protein structure and function are either unavailable or do not agree on the potential impact of this missense change (SIFT: "Tolerated"; PolyPhen-2: "Possibly Damaging"; Align-GVGD: "Class C0"). In summary, the available evidence is currently insufficient to determine the role of this variant in disease. Therefore, it has been classified as a Variant of Uncertain Significance.

NM_000066.4(C8B):c.383C>T (p.Ala128Val)

Gene: C8B (complement C8 beta chain; minus strand). Cytogenetic location: 1p32.2.
Variant type: single nucleotide variant.
Coding change: c.383C>T on transcript NM_000066.4 (MANE Select); coding-DNA position 383, C replaced by T.
Protein change: p.Ala128Val; replaces alanine 128 with valine.
Molecular consequence: missense variant.
Genome position (GRCh38, 1-based): chr1:56,956,777, G>A on the plus strand (C>T on the coding strand, the complement: C8B is on the minus strand). VCF-style: chr1-56956777-G-A. GRCh37 (hg19) VCF-style: chr1-57422450-G-A.
Other names: c.227C>T, p.Ala76Val (NM_001278543.2); c.197C>T, p.Ala66Val (NM_001278544.2); short protein forms A128V, A76V, A66V.
Identifiers: ClinVar variation 1385648 (VCV001385648.8), dbSNP rs2101452663, ClinGen allele CA340510482.